The following is an entry in ClinVar:

ClinVar aggregate classification (germline): Conflicting classifications of pathogenicity. Review status: criteria provided, conflicting classifications (1 of 4 stars). 3 submissions from 3 submitters: Uncertain significance (1); Likely benign (2). Last evaluated 2026-04-26.

Conditions:
Age related macular degeneration 14. Also called: MACULAR DEGENERATION, AGE-RELATED, 14, REDUCED RISK OF. Identifiers: MedGen C3809653, MONDO:0014207, OMIM 615489.

Allele frequency attached by ClinVar (database versions not stated): ExAC 0.00046; ESP Exome Variant Server 0.00083; TOPMed 0.00089; 1000 Genomes Project 30x 0.00031; gnomAD exomes 0.00030; 1000 Genomes Project 0.00020; gnomAD 0.00105.
gnomAD v4.1: 585 of 1,613,028 alleles (0.036%); highest among the groups gnomAD compares: African/African-American, 0.22%; 1 homozygote.

Submissions (3):

GeneDx
Classification: Uncertain significance. Last evaluated: 2026-04-26. Review status: criteria provided, single submitter. Criteria: GeneDx Variant Classification Process June 2021. Collection method: clinical testing. Allele origin: germline.
Comment: Reported as heterozygous in a patient with severe hypertension and renal failure, however, no additional clinical or segregation information was provided (PMID: 29148534); In silico analysis suggests that this missense variant does not alter protein structure/function; This variant is associated with the following publications: (PMID: 29148534)

Labcorp Genetics (formerly Invitae), Labcorp
Classification: Likely benign. Last evaluated: 2025-12-18. Review status: criteria provided, single submitter. Criteria: Invitae Variant Classification Sherloc (09022015). Collection method: clinical testing. Allele origin: germline.

Illumina Laboratory Services, Illumina
Classification: Likely benign for Age related macular degeneration 14. Last evaluated: 2018-01-12. Review status: criteria provided, single submitter. Criteria: ICSL Variant Classification Criteria 13 December 2019. Collection method: clinical testing. Allele origin: germline.
Comment: This variant was observed in the ICSL laboratory as part of a predisposition screen in an ostensibly healthy population. It had not been previously curated by ICSL or reported in the Human Gene Mutation Database (HGMD: prior to June 1st, 2018), and was therefore a candidate for classification through an automated scoring system. Utilizing variant allele frequency, disease prevalence and penetrance estimates, and inheritance mode, an automated score was calculated to assess if this variant is too frequent to cause the disease. Based on the score and internal cut-off values, a variant classified as likely benign is not then subjected to further curation. The score for this variant resulted in a classification of likely benign for this disease.

NM_000063.6(C2):c.1414G>A (p.Ala472Thr)

Gene: C2 (complement C2; plus strand). Cytogenetic location: 6p21.33.
Variant type: single nucleotide variant.
Coding change: c.1414G>A on transcript NM_000063.6 (MANE Select); coding-DNA position 1414, G replaced by A.
Protein change: p.Ala472Thr; replaces alanine 472 with threonine.
Molecular consequence: missense variant.
Genome position (GRCh38, 1-based): chr6:31,943,278, G>A. VCF-style: chr6-31943278-G-A. GRCh37 (hg19) VCF-style: chr6-31911055-G-A.
Other names: c.1018G>A, p.Ala340Thr (NM_001145903.3); c.772G>A, p.Ala258Thr (NM_001178063.3); c.676G>A, p.Ala226Thr (NM_001282457.2); c.1327G>A, p.Ala443Thr (NM_001282458.2); c.1414G>A (NM_000063.5); short protein forms A472T, A226T, A340T, A443T, A258T.
Identifiers: ClinVar variation 356249 (VCV000356249.14), dbSNP rs142243595, ClinGen allele CA3727699.
Genomic context (GRCh38, chr6:31,943,278, plus strand): 5'-CCCACAGATGTCTCCAAGCTCACAGACACCATCTGCGGGGTGGGGAACATGTCAGCAAAC[G>A]CCTCTGACCAGGAGAGGACACCCTGGCATGTCACTATTAAGGTACCAGGAAGGAGGGGCA-3'
Protein context (NP_000054.2, residues 462-482): ICGVGNMSAN[Ala472Thr]SDQERTPWHV